The following is an entry in ClinVar:

NM_020631.6(PLEKHG5):c.479G>A (p.Gly160Asp)

Gene: PLEKHG5 (pleckstrin homology and RhoGEF domain containing G5; minus strand). Cytogenetic location: 1p36.31.
Variant type: single nucleotide variant.
Coding change: c.479G>A on transcript NM_020631.6 (MANE Select); coding-DNA position 479, G replaced by A.
Protein change: p.Gly160Asp; replaces glycine 160 with aspartic acid.
Molecular consequence: missense variant.
Genome position (GRCh38, 1-based): chr1:6,474,125, C>T on the plus strand (G>A on the coding strand, the complement: PLEKHG5 is on the minus strand). VCF-style: chr1-6474125-C-T. GRCh37 (hg19) VCF-style: chr1-6534185-C-T.
Other names: c.590G>A, p.Gly197Asp (NM_001042663.3, NM_001265592.2); c.479G>A, p.Gly160Asp (NM_001042664.2, NM_001042665.2, NM_001265594.3 and 1 more transcripts); c.686G>A, p.Gly229Asp (NM_001265593.2); short protein forms G160D, G229D, G197D.
Identifiers: ClinVar variation 2010307 (VCV002010307.4), dbSNP rs758423963, ClinGen allele CA561835.

ClinVar aggregate classification (germline): Uncertain significance (1 of 4 stars; one submission).

Conditions:
Charcot-Marie-Tooth disease recessive intermediate C. Also called: CHARCOT-MARIE-TOOTH NEUROPATHY, RECESSIVE INTERMEDIATE C. Identifiers: Orphanet 369867, MedGen C3809309, MONDO:0014154, OMIM 615376.
Neuronopathy, distal hereditary motor, autosomal recessive 4. Also called: Autosomal recessive lower motor neuron disease with childhood onset; NEUROPATHY, DISTAL HEREDITARY MOTOR, AUTOSOMAL RECESSIVE 4. Identifiers: Orphanet 206580, MedGen C1970211, MONDO:0012608, OMIM 611067.

Allele frequency attached by ClinVar (database versions not stated): gnomAD exomes below 0.00001; ExAC 0.00001.
gnomAD v4.1: 1 of 1,613,538 alleles (0.000062%); highest among the groups gnomAD compares: Admixed American, 0.0017%; no homozygotes.

Submission:

Labcorp Genetics (formerly Invitae), Labcorp
Classification: Uncertain significance for Neuronopathy, distal hereditary motor, autosomal recessive 4; Charcot-Marie-Tooth disease recessive intermediate C. Last evaluated: 2024-05-13. Review status: criteria provided, single submitter. Criteria: Invitae Variant Classification Sherloc (09022015). Collection method: clinical testing. Allele origin: germline.
Comment: This sequence change replaces glycine, which is neutral and non-polar, with aspartic acid, which is acidic and polar, at codon 160 of the PLEKHG5 protein (p.Gly160Asp). This variant is not present in population databases (gnomAD no frequency). This variant has not been reported in the literature in individuals affected with PLEKHG5-related conditions. ClinVar contains an entry for this variant (Variation ID: 2010307). An algorithm developed to predict the effect of missense changes on protein structure and function (PolyPhen-2) suggests that this variant is likely to be disruptive. In summary, the available evidence is currently insufficient to determine the role of this variant in disease. Therefore, it has been classified as a Variant of Uncertain Significance.